The following is an entry in ClinVar:

ClinVar aggregate classification (germline): Uncertain significance (1 of 4 stars; one submission).

Conditions:
Hereditary cancer-predisposing syndrome. Also called: Tumor predisposition; Hereditary Cancer Syndrome; Hereditary neoplastic syndrome; Neoplastic Syndromes, Hereditary. Identifiers: Orphanet 140162, MedGen C0027672, MeSH D009386, MONDO:0015356.

Submission:

Ambry Genetics
Classification: Uncertain significance for Hereditary cancer-predisposing syndrome. Last evaluated: 2025-09-29. Review status: criteria provided, single submitter. Criteria: Ambry Variant Classification Scheme 2023. Collection method: clinical testing. Allele origin: germline.
Comment: The p.M1? variant (also known as c.2T>G), located in coding exon 1 of the STK11 gene, results from a T to G substitution at nucleotide position 2. This alters the methionine residue at the initiation codon (ATG). Variations that modify the initiation codon (ATG) are expected to result in either loss of translation initiation, N-terminal truncation, or cause a shift in the mRNA reading frame; however, there is an in-frame methionine 10 amino acids from the initiation site, which may result in N-terminal truncation of unknown functional significance. Based on the available evidence, the clinical significance of this variant remains unclear.

NM_000455.5(STK11):c.2T>G (p.Met1Arg)

Gene: STK11 (serine/threonine kinase 11; plus strand). Cytogenetic location: 19p13.3.
Variant type: single nucleotide variant.
Coding change: c.2T>G on transcript NM_000455.5 (MANE Select); coding-DNA position 2, T replaced by G.
Protein change: p.Met1Arg; changes the start codon (methionine 1).
Molecular consequence: missense variant, initiator codon variant. On other transcripts: non-coding transcript variant (1).
Genome position (GRCh38, 1-based): chr19:1,206,915, T>G. VCF-style: chr19-1206915-T-G. GRCh37 (hg19) VCF-style: chr19-1206914-T-G.
Other names: c.2T>G, p.Met1Arg (NM_001407255.1); short protein forms M1R.
Identifiers: ClinVar variation 4551214 (VCV004551214.1).
Genomic context (GRCh38, chr19:1,206,915, plus strand): 5'-AGGACCGCTCACCCGCGGACTCAGGGCTGGCGGCGGGACTCCAGGACCCTGGGTCCAGCA[T>G]GGAGGTGGTGGACCCGCAGCAGCTGGGCATGTTCACGGAGGGCGAGCTGATGTCGGTGGG-3'
Protein context (NP_000446.1, residues 1-11): [Met1Arg]EVVDPQQLGM